The following is an entry in ClinVar:

ClinVar aggregate classification (germline): Conflicting classifications of pathogenicity. Review status: criteria provided, conflicting classifications (1 of 4 stars). 2 submissions from 2 submitters: Uncertain significance (1); Likely benign (1). Last evaluated 2025-10-21.

Conditions:
Hereditary cancer-predisposing syndrome. Also called: Tumor predisposition; Hereditary neoplastic syndrome; Neoplastic Syndromes, Hereditary; Hereditary Cancer Syndrome. Identifiers: Orphanet 140162, MedGen C0027672, MeSH D009386, MONDO:0015356.
Gorlin syndrome. Also called: Nevoid Basal Cell Carcinoma Syndrome; Basal cell nevus syndrome. Identifiers: Orphanet 377, MedGen C0004779, MONDO:0007187.

Allele frequency attached by ClinVar (database versions not stated): gnomAD exomes below 0.00001; TOPMed below 0.00001; ExAC 0.00001; gnomAD 0.00001; ESP Exome Variant Server 0.00008.
gnomAD v4.1: 4 of 1,614,084 alleles (0.00025%); highest among the groups gnomAD compares: Non-Finnish European, 0.00034%; no homozygotes.

Submissions (2):

Ambry Genetics
Classification: Uncertain significance for Hereditary cancer-predisposing syndrome. Last evaluated: 2025-10-21. Review status: criteria provided, single submitter. Criteria: Ambry Variant Classification Scheme 2023. Collection method: clinical testing. Allele origin: germline.
Comment: The p.L396V variant (also known as c.1186C>G), located in coding exon 8 of the PTCH1 gene, results from a C to G substitution at nucleotide position 1186. The leucine at codon 396 is replaced by valine, an amino acid with highly similar properties. This amino acid position is highly conserved in available vertebrate species. In addition, the in silico prediction for this alteration is inconclusive. Since supporting evidence is limited at this time, the clinical significance of this alteration remains unclear.

Labcorp Genetics (formerly Invitae), Labcorp
Classification: Likely benign for Gorlin syndrome. Last evaluated: 2024-01-18. Review status: criteria provided, single submitter. Criteria: Invitae Variant Classification Sherloc (09022015). Collection method: clinical testing. Allele origin: germline.

NM_000264.5(PTCH1):c.1186C>G (p.Leu396Val)

Gene: PTCH1 (patched 1; minus strand). Cytogenetic location: 9q22.32.
Variant type: single nucleotide variant.
Coding change: c.1186C>G on transcript NM_000264.5 (MANE Select); coding-DNA position 1186, C replaced by G.
Protein change: p.Leu396Val; replaces leucine 396 with valine.
Molecular consequence: missense variant. On other transcripts: non-coding transcript variant (1).
Genome position (GRCh38, 1-based): chr9:95,479,029, G>C on the plus strand (C>G on the coding strand, the complement: PTCH1 is on the minus strand). VCF-style: chr9-95479029-G-C. GRCh37 (hg19) VCF-style: chr9-98241311-G-C.
Other names: c.988C>G, p.Leu330Val (NM_001083602.3); c.1183C>G, p.Leu395Val (NM_001083603.3); c.733C>G, p.Leu245Val (NM_001083604.3, NM_001083605.3, NM_001083606.3 and 1 more transcripts); c.1186C>G, p.Leu396Val (NM_001354918.2); short protein forms L330V, L396V, L395V, L245V.
Identifiers: ClinVar variation 135867 (VCV000135867.10), dbSNP rs371424684, ClinGen allele CA332443.